The following is an entry in ClinVar:

ClinVar aggregate classification (germline): Uncertain significance (1 of 4 stars; one submission).

Allele frequency attached by ClinVar (database versions not stated): gnomAD exomes below 0.00001; gnomAD 0.00001.
gnomAD v4.1: 3 of 1,603,596 alleles (0.00019%); highest among the groups gnomAD compares: African/African-American, 0.0027%; no homozygotes.

Submission:

Labcorp Genetics (formerly Invitae), Labcorp
Classification: Uncertain significance. Last evaluated: 2021-09-17. Review status: criteria provided, single submitter. Criteria: Invitae Variant Classification Sherloc (09022015). Collection method: clinical testing. Allele origin: germline.
Comment: This sequence change replaces glutamic acid with lysine at codon 730 of the PNPT1 protein (p.Glu730Lys). The glutamic acid residue is moderately conserved and there is a small physicochemical difference between glutamic acid and lysine. This variant is not present in population databases (ExAC no frequency). This variant has not been reported in the literature in individuals affected with PNPT1-related conditions. Advanced modeling of protein sequence and biophysical properties (such as structural, functional, and spatial information, amino acid conservation, physicochemical variation, residue mobility, and thermodynamic stability) performed at Invitae indicates that this missense variant is not expected to disrupt PNPT1 protein function. In summary, the available evidence is currently insufficient to determine the role of this variant in disease. Therefore, it has been classified as a Variant of Uncertain Significance.

NM_033109.5(PNPT1):c.2188G>A (p.Glu730Lys)

Gene: PNPT1 (polyribonucleotide nucleotidyltransferase 1; minus strand). Cytogenetic location: 2p16.1.
Variant type: single nucleotide variant.
Coding change: c.2188G>A on transcript NM_033109.5 (MANE Select); coding-DNA position 2188, G replaced by A.
Protein change: p.Glu730Lys; replaces glutamic acid 730 with lysine.
Molecular consequence: missense variant.
Genome position (GRCh38, 1-based): chr2:55,637,560, C>T on the plus strand (G>A on the coding strand, the complement: PNPT1 is on the minus strand). VCF-style: chr2-55637560-C-T. GRCh37 (hg19) VCF-style: chr2-55864695-C-T.
Other names: short protein forms E730K.
Identifiers: ClinVar variation 1500229 (VCV001500229.5), dbSNP rs1228800641, ClinGen allele CA346923439.